The following is an entry in ClinVar:

ClinVar aggregate classification (germline): Uncertain significance (1 of 4 stars; one submission).

Allele frequency attached by ClinVar (database versions not stated): gnomAD exomes below 0.00001; ExAC 0.00001; gnomAD 0.00001; TOPMed 0.00003.
gnomAD v4.1: 6 of 1,604,444 alleles (0.00037%); highest among the groups gnomAD compares: East Asian, 0.011%; no homozygotes.

Submission:

Labcorp Genetics (formerly Invitae), Labcorp
Classification: Uncertain significance. Last evaluated: 2021-11-10. Review status: criteria provided, single submitter. Criteria: Invitae Variant Classification Sherloc (09022015). Collection method: clinical testing. Allele origin: germline.
Comment: In summary, the available evidence is currently insufficient to determine the role of this variant in disease. Therefore, it has been classified as a Variant of Uncertain Significance. Algorithms developed to predict the effect of missense changes on protein structure and function are either unavailable or do not agree on the potential impact of this missense change (SIFT: "Deleterious"; PolyPhen-2: "Possibly Damaging"; Align-GVGD: "Class C0"). This missense change has been observed in individual(s) with deafness (PMID: 24853665, 29197352). This variant is present in population databases (rs779935214, gnomAD 0.006%). This sequence change replaces proline, which is neutral and non-polar, with arginine, which is basic and polar, at codon 1396 of the TRIOBP protein (p.Pro1396Arg).

Literature cited by the submitters: PubMed 24853665; PubMed 29197352.

NM_001039141.3(TRIOBP):c.4187C>G (p.Pro1396Arg)

Gene: TRIOBP (TRIO and F-actin binding protein; plus strand). Cytogenetic location: 22q13.1.
Variant type: single nucleotide variant.
Coding change: c.4187C>G on transcript NM_001039141.3 (MANE Select); coding-DNA position 4187, C replaced by G.
Protein change: p.Pro1396Arg; replaces proline 1396 with arginine.
Molecular consequence: missense variant.
Genome position (GRCh38, 1-based): chr22:37,734,523, C>G. VCF-style: chr22-37734523-C-G. GRCh37 (hg19) VCF-style: chr22-38130530-C-G.
Other names: short protein forms P1396R.
Identifiers: ClinVar variation 1511278 (VCV001511278.6), dbSNP rs779935214, ClinGen allele CA10224333.